The following is an entry in ClinVar:

ClinVar aggregate classification (germline): Pathogenic (1 of 4 stars; one submission).

Conditions:
X-linked agammaglobulinemia with growth hormone deficiency (IGHD3). Also called: AGAMMAGLOBULINEMIA AND ISOLATED GROWTH HORMONE DEFICIENCY, X-LINKED; FLEISHER SYNDROME; HYPOGAMMAGLOBULINEMIA AND ISOLATED GROWTH HORMONE DEFICIENCY, X-LINKED; IGHD III; Isolated growth hormone deficiency type 3; Growth hormone deficiency with hypogammaglobulinemia. Identifiers: Orphanet 231692, Orphanet 631, MedGen C0472813, MONDO:0010615, OMIM 307200.

Submission:

Labcorp Genetics (formerly Invitae), Labcorp
Classification: Pathogenic for X-linked agammaglobulinemia with growth hormone deficiency. Last evaluated: 2021-05-18. Review status: criteria provided, single submitter. Criteria: Invitae Variant Classification Sherloc (09022015). Collection method: clinical testing. Allele origin: germline.
Comment: This variant results in a copy number gain of the genomic region encompassing exons 6-7 of the BTK gene. While the exact position of this variant cannot be determined from this data, sub-genic copy number gains are generally in tandem (PMID: 25640679) and may result in an absent or disrupted protein product. For these reasons, this variant has been classified as Pathogenic. Loss-of-function variants in BTK are known to be pathogenic (PMID: 15661032, 16862044, 19419768). This variant has been observed in individuals with clinical features of X-linked agammaglobulinemia (PMID: 16159644, Invitae).

Literature cited by the submitters: PubMed 25640679; PubMed 15661032; PubMed 16862044; PubMed 19419768; PubMed 16159644.

NC_000023.11:g.(?_101362153)_(101362709_?)dup

Gene: BTK (Bruton tyrosine kinase; minus strand). Cytogenetic location: Xq22.1.
Variant type: Duplication.
Identifiers: ClinVar variation 832224 (VCV000832224.8).